The following is an entry in ClinVar:

NM_017755.6(NSUN2):c.1166G>A (p.Arg389Gln)

Gene: NSUN2 (NOP2/Sun RNA methyltransferase 2; minus strand). Cytogenetic location: 5p15.31.
Variant type: single nucleotide variant.
Coding change: c.1166G>A on transcript NM_017755.6 (MANE Select); coding-DNA position 1166, G replaced by A.
Protein change: p.Arg389Gln; replaces arginine 389 with glutamine.
Molecular consequence: missense variant. On other transcripts: non-coding transcript variant (1).
Genome position (GRCh38, 1-based): chr5:6,611,015, C>T on the plus strand (G>A on the coding strand, the complement: NSUN2 is on the minus strand). VCF-style: chr5-6611015-C-T. GRCh37 (hg19) VCF-style: chr5-6611128-C-T.
Other names: c.1061G>A, p.Arg354Gln (NM_001193455.2); c.1166G>A (NM_017755.5); short protein forms R354Q, R389Q.
Identifiers: ClinVar variation 1950883 (VCV001950883.7), dbSNP rs577584320, ClinGen allele CA113722943.

ClinVar aggregate classification (germline): Uncertain significance. Review status: criteria provided, multiple submitters, no conflicts (2 of 4 stars). 2 submissions from 2 submitters: Uncertain significance (2). Last evaluated 2023-04-17.

Conditions:
Inborn genetic diseases. Identifiers: MedGen C0950123, MeSH D030342.

Allele frequency attached by ClinVar (database versions not stated): 1000 Genomes Project 30x 0.00016; 1000 Genomes Project 0.00020.

Submissions (2):

Ambry Genetics
Classification: Uncertain significance for Inborn genetic diseases. Last evaluated: 2023-04-17. Review status: criteria provided, single submitter. Criteria: Ambry Variant Classification Scheme 2023. Collection method: clinical testing. Allele origin: germline.

Labcorp Genetics (formerly Invitae), Labcorp
Classification: Uncertain significance. Last evaluated: 2022-03-29. Review status: criteria provided, single submitter. Criteria: Invitae Variant Classification Sherloc (09022015). Collection method: clinical testing. Allele origin: germline.
Comment: In summary, the available evidence is currently insufficient to determine the role of this variant in disease. Therefore, it has been classified as a Variant of Uncertain Significance. Algorithms developed to predict the effect of missense changes on protein structure and function are either unavailable or do not agree on the potential impact of this missense change (SIFT: "Tolerated"; PolyPhen-2: "Probably Damaging"; Align-GVGD: "Class C0"). This variant has not been reported in the literature in individuals affected with NSUN2-related conditions. This variant is not present in population databases (gnomAD no frequency). This sequence change replaces arginine, which is basic and polar, with glutamine, which is neutral and polar, at codon 389 of the NSUN2 protein (p.Arg389Gln).